The following is an entry in ClinVar:

ClinVar aggregate classification (germline): Conflicting classifications of pathogenicity. Review status: criteria provided, conflicting classifications (1 of 4 stars). 3 submissions from 3 submitters: Uncertain significance (1); Likely benign (2). Last evaluated 2026-01-27.

Allele frequency attached by ClinVar (database versions not stated): ExAC 0.00002; gnomAD exomes 0.00003; TOPMed 0.00004; ESP Exome Variant Server 0.00008.
gnomAD v4.1: 57 of 1,613,818 alleles (0.0035%); highest among the groups gnomAD compares: Middle Eastern, 0.016%; no homozygotes.

Submissions (3):

Labcorp Genetics (formerly Invitae), Labcorp
Classification: Uncertain significance. Last evaluated: 2026-01-27. Review status: criteria provided, single submitter. Criteria: Invitae Variant Classification Sherloc (09022015). Collection method: clinical testing. Allele origin: germline.
Comment: This sequence change replaces threonine, which is neutral and polar, with methionine, which is neutral and non-polar, at codon 9 of the SPP2 protein (p.Thr9Met). This variant is present in population databases (rs145529777, gnomAD 0.009%). This variant has not been reported in the literature in individuals affected with SPP2-related conditions. ClinVar contains an entry for this variant (Variation ID: 971275). An algorithm developed to predict the effect of missense changes on protein structure and function outputs the following: PolyPhen-2: "Benign". The methionine amino acid residue is found in multiple mammalian species, which suggests that this missense change does not adversely affect protein function. In summary, the available evidence is currently insufficient to determine the role of this variant in disease. Therefore, it has been classified as a Variant of Uncertain Significance.

Blueprint Genetics
Classification: Likely benign. Last evaluated: 2024-10-02. Review status: criteria provided, single submitter. Criteria: ACMG Guidelines, 2015. Collection method: clinical testing. Allele origin: germline.

Ambry Genetics
Classification: Likely benign. Last evaluated: 2024-02-28. Review status: criteria provided, single submitter. Criteria: Ambry Variant Classification Scheme 2023. Collection method: clinical testing. Allele origin: germline.

NM_006944.3(SPP2):c.26C>T (p.Thr9Met)

Gene: SPP2 (secreted phosphoprotein 2; plus strand). Cytogenetic location: 2q37.1.
Variant type: single nucleotide variant.
Coding change: c.26C>T on transcript NM_006944.3 (MANE Select); coding-DNA position 26, C replaced by T.
Protein change: p.Thr9Met; replaces threonine 9 with methionine.
Molecular consequence: missense variant.
Genome position (GRCh38, 1-based): chr2:234,050,812, C>T. VCF-style: chr2-234050812-C-T. GRCh37 (hg19) VCF-style: chr2-234959456-C-T.
Other names: short protein forms T9M.
Identifiers: ClinVar variation 971275 (VCV000971275.10), dbSNP rs145529777, ClinGen allele CA2183040.
Genomic context (GRCh38, chr2:234,050,812, plus strand): 5'-CATAGAGAGACACTCTCTGTCTCTCGATTACAATCATGATTTCCAGAATGGAGAAGATGA[C>T]GATGATGATGAAGATATTGATTATGTTTGCTCTTGGAATGAACTACTGGTCTTGCTCAGG-3'
Protein context (NP_008875.1, residues 1-19): MISRMEKM[Thr9Met]MMMKILIMFA